The following is an entry in ClinVar:

ClinVar aggregate classification (germline): Uncertain significance. Review status: criteria provided, multiple submitters, no conflicts (2 of 4 stars). 2 submissions from 2 submitters: Uncertain significance (2). Last evaluated 2025-07-10.

Conditions:
Hereditary nonpolyposis colorectal neoplasms. Identifiers: MedGen C0009405, MeSH D003123.
Hereditary cancer-predisposing syndrome. Also called: Neoplastic Syndromes, Hereditary; Tumor predisposition; Hereditary Cancer Syndrome; Hereditary neoplastic syndrome. Identifiers: Orphanet 140162, MedGen C0027672, MeSH D009386, MONDO:0015356.

Submissions (2):

Ambry Genetics
Classification: Uncertain significance for Hereditary cancer-predisposing syndrome. Last evaluated: 2025-07-10. Review status: criteria provided, single submitter. Criteria: Ambry Variant Classification Scheme 2023. Collection method: clinical testing. Allele origin: germline.
Comment: The p.A36G variant (also known as c.107C>G), located in coding exon 1 of the MSH6 gene, results from a C to G substitution at nucleotide position 107. The alanine at codon 36 is replaced by glycine, an amino acid with similar properties. This amino acid position is conserved. In addition, this alteration is predicted to be tolerated by in silico analysis. Based on the available evidence, the clinical significance of this variant remains unclear.

Labcorp Genetics (formerly Invitae), Labcorp
Classification: Uncertain significance for Hereditary nonpolyposis colorectal neoplasms. Last evaluated: 2025-07-01. Review status: criteria provided, single submitter. Criteria: Invitae Variant Classification Sherloc (09022015). Collection method: clinical testing. Allele origin: germline.
Comment: This sequence change replaces alanine, which is neutral and non-polar, with glycine, which is neutral and non-polar, at codon 36 of the MSH6 protein (p.Ala36Gly). This variant is not present in population databases (gnomAD no frequency). This variant has not been reported in the literature in individuals affected with MSH6-related conditions. ClinVar contains an entry for this variant (Variation ID: 3633904). Invitae Evidence Modeling of protein sequence and biophysical properties (such as structural, functional, and spatial information, amino acid conservation, physicochemical variation, residue mobility, and thermodynamic stability) indicates that this missense variant is not expected to disrupt MSH6 protein function with a negative predictive value of 95%. In summary, the available evidence is currently insufficient to determine the role of this variant in disease. Therefore, it has been classified as a Variant of Uncertain Significance.

NM_000179.3(MSH6):c.107C>G (p.Ala36Gly)

Gene: MSH6 (mutS homolog 6; plus strand). Cytogenetic location: 2p16.3.
Variant type: single nucleotide variant.
Coding change: c.107C>G on transcript NM_000179.3 (MANE Select); coding-DNA position 107, C replaced by G.
Protein change: p.Ala36Gly; replaces alanine 36 with glycine.
Molecular consequence: missense variant. On other transcripts: 5 prime UTR variant (7), non-coding transcript variant (5), intron variant (5).
Genome position (GRCh38, 1-based): chr2:47,783,340, C>G. VCF-style: chr2-47783340-C-G. GRCh37 (hg19) VCF-style: chr2-48010479-C-G.
Other names: c.107C>G, p.Ala36Gly (NM_001281492.2, NM_001406795.1, NM_001406796.1 and 9 more transcripts); c.-630C>G (NM_001281493.2, NM_001406811.1); c.-222C>G (NM_001406799.1); c.52C>G, p.Leu18Val (NM_001406804.1); c.-822C>G (NM_001406807.1); c.-477C>G (NM_001406812.1); c.-888C>G (NM_001406814.1); c.-433C>G (NM_001406816.1); and 3 more; short protein forms A36G, L18V.
Identifiers: ClinVar variation 3633904 (VCV003633904.3).
Genomic context (GRCh38, chr2:47,783,340, plus strand): 5'-CGCTGAGTGATGCCAACAAGGCCTCGGCCAGGGCCTCACGCGAAGGCGGCCGTGCCGCCG[C>G]TGCCCCCGGGGCCTCTCCTTCCCCAGGCGGGGATGCGGCCTGGAGCGAGGCTGGGCCTGG-3'
Protein context (NP_000170.1, residues 26-46): RASREGGRAA[Ala36Gly]APGASPSPGG